The following is an entry in ClinVar:

NM_001378120.1(MBD5):c.196dup (p.Cys66fs)

Gene: MBD5 (methyl-CpG binding domain protein 5; plus strand). Cytogenetic location: 2q23.1.
Variant type: Duplication.
Coding change: c.196dup on transcript NM_001378120.1 (MANE Select); coding-DNA position 196, one base duplicated (T; older notation c.196dupT).
Protein change: p.Cys66fs; shifts the reading frame from cysteine 66.
Molecular consequence: frameshift variant.
Genome position (GRCh38, 1-based): chr2:148,462,664, T duplicated. VCF-style (leftmost placement, unchanged base first): chr2-148462663-A-AT. GRCh37 (hg19) VCF-style: chr2-149220232-A-AT.
Other names: c.196dup, p.Cys66fs (NM_018328.5); short protein forms C66fs.
Identifiers: ClinVar variation 2749766 (VCV002749766.3), dbSNP rs2469808233, ClinGen allele CA2697551203.

ClinVar aggregate classification (germline): Pathogenic (1 of 4 stars; one submission).

Conditions:
Intellectual developmental disorder, autosomal dominant 1. Also called: Intellectual disability, autosomal dominant 1; MBD5 Haploinsufficiency. Identifiers: Orphanet 228402, MedGen C1969562, MONDO:0007974, OMIM 156200.

Submission:

Labcorp Genetics (formerly Invitae), Labcorp
Classification: Pathogenic for Intellectual developmental disorder, autosomal dominant 1. Last evaluated: 2024-10-29. Review status: criteria provided, single submitter. Criteria: Invitae Variant Classification Sherloc (09022015). Collection method: clinical testing. Allele origin: germline.
Comment: This sequence change creates a premature translational stop signal (p.Cys66Leufs*10) in the MBD5 gene. It is expected to result in an absent or disrupted protein product. Loss-of-function variants in MBD5 are known to be pathogenic (PMID: 23422940, 23587880). This variant is not present in population databases (gnomAD no frequency). This variant has not been reported in the literature in individuals affected with MBD5-related conditions. For these reasons, this variant has been classified as Pathogenic.

Literature cited by the submitters: PubMed 23422940; PubMed 23587880.